The following is an entry in ClinVar:

ClinVar aggregate classification (germline): Uncertain significance. Review status: criteria provided, multiple submitters, no conflicts (2 of 4 stars). 4 submissions from 4 submitters: Uncertain significance (3). 1 of the submissions does not count toward it. Last evaluated 2026-05-11.

Conditions:
Retinal dystrophy. Also called: Inherited retinal dystrophy. Identifiers: Orphanet 71862, MedGen C0854723, MeSH D058499, MONDO:0019118, HP:0000556.
Bardet-Biedl syndrome (BBS). Identifiers: Orphanet 110, MedGen C0752166, MONDO:0015229.
Bardet-Biedl syndrome 1 (BBS1). Identifiers: MedGen C2936862, MONDO:0008854, OMIM 209900. Disease mechanism: loss of function.

Allele frequency attached by ClinVar (database versions not stated): gnomAD exomes 0.00002 and 0.00001; TOPMed 0.00002; gnomAD 0.00003 and 0.00004; ESP Exome Variant Server 0.00008; ExAC 0.00002.
gnomAD v4.1: 19 of 1,614,052 alleles (0.0012%); highest among the groups gnomAD compares: Non-Finnish European, 0.0015%; no homozygotes.

Submissions (4):

Myriad Genetics, Inc.
Classification: Uncertain significance for Bardet-Biedl syndrome 1. Last evaluated: 2026-05-11. Review status: criteria provided, single submitter. Criteria: Myriad Autosomal Dominant, Autosomal Recessive and X-Linked Classification Criteria (2023). Collection method: clinical testing. Allele origin: unknown.
Comment: NM_024649.4(BBS1):c.88C>A(P30T) is a missense variant classified as a variant of uncertain significance in the context of Bardet-Biedl syndrome, BBS1-related. P30T has been observed in a case with relevant disease (PMID: 38928247). Relevant functional assessments of this variant are not available in the literature. P30T has been observed in referenced population frequency databases. In summary, there is insufficient evidence to classify NM_024649.4(BBS1):c.88C>A(P30T) as pathogenic or benign. Please note: this variant was assessed in the context of healthy population screening.

Labcorp Genetics (formerly Invitae), Labcorp
Classification: Uncertain significance for Bardet-Biedl syndrome. Last evaluated: 2022-07-05. Review status: criteria provided, single submitter. Criteria: Invitae Variant Classification Sherloc (09022015). Collection method: clinical testing. Allele origin: germline.
Comment: This sequence change replaces proline, which is neutral and non-polar, with threonine, which is neutral and polar, at codon 30 of the BBS1 protein (p.Pro30Thr). This variant is present in population databases (rs368510687, gnomAD 0.005%). This variant has not been reported in the literature in individuals affected with BBS1-related conditions. ClinVar contains an entry for this variant (Variation ID: 1359126). Algorithms developed to predict the effect of missense changes on protein structure and function are either unavailable or do not agree on the potential impact of this missense change (SIFT: "Tolerated"; PolyPhen-2: "Probably Damaging"; Align-GVGD: "Class C0"). In summary, the available evidence is currently insufficient to determine the role of this variant in disease. Therefore, it has been classified as a Variant of Uncertain Significance.

Fulgent Genetics
Classification: Uncertain significance for Bardet-Biedl syndrome 1. Last evaluated: 2022-03-17. Review status: criteria provided, single submitter. Criteria: ACMG Guidelines, 2015. Collection method: clinical testing. Allele origin: unknown.

Institute of Human Genetics, Univ. Regensburg, Univ. Regensburg
Classification: Uncertain significance for Retinal dystrophy. Last evaluated: 2021-01-01. Review status: no assertion criteria provided. Criteria: ACMG Guidelines, 2015. Collection method: clinical testing. Allele origin: germline. Affected: yes. Not counted in ClinVar's aggregate classification.

Literature cited by the submitters: PubMed 38928247 (cited by Myriad Genetics, Inc.).

NM_024649.5(BBS1):c.88C>A (p.Pro30Thr)

Gene: BBS1 (Bardet-Biedl syndrome 1; plus strand). Cytogenetic location: 11q13.2.
Variant type: single nucleotide variant.
Coding change: c.88C>A on transcript NM_024649.5 (MANE Select); coding-DNA position 88, C replaced by A.
Protein change: p.Pro30Thr; replaces proline 30 with threonine.
Molecular consequence: missense variant.
Genome position (GRCh38, 1-based): chr11:66,511,053, C>A. VCF-style: chr11-66511053-C-A. GRCh37 (hg19) VCF-style: chr11-66278524-C-A.
Other names: short protein forms P30T.
Identifiers: ClinVar variation 1359126 (VCV001359126.6), dbSNP rs368510687, ClinGen allele CA6123232.
Genomic context (GRCh38, chr11:66,511,053, plus strand): 5'-TGTCTTTCCCCCACTTCCAGCAATGAGGCCAATTCGAAGTGGTTGGATGCGCACTACGAC[C>A]CAATGGCCAATATCCACACCTTTTCTGCCTGCCTAGGTGAGTCTCTGGAACCAGGAACCC-3'
Protein context (NP_078925.3, residues 20-40): NSKWLDAHYD[Pro30Thr]MANIHTFSAC